The following is an entry in ClinVar:

NM_004320.6(ATP2A1):c.664A>G (p.Ile222Val)

Gene: ATP2A1 (ATPase sarcoplasmic/endoplasmic reticulum Ca2+ transporting 1; plus strand). Cytogenetic location: 16p11.2.
Variant type: single nucleotide variant.
Coding change: c.664A>G on transcript NM_004320.6 (MANE Select); coding-DNA position 664, A replaced by G.
Protein change: p.Ile222Val; replaces isoleucine 222 with valine.
Molecular consequence: missense variant.
Genome position (GRCh38, 1-based): chr16:28,887,458, A>G. VCF-style: chr16-28887458-A-G. GRCh37 (hg19) VCF-style: chr16-28898779-A-G.
Other names: c.289A>G, p.Ile97Val (NM_001286075.2); c.664A>G, p.Ile222Val (NM_173201.5); short protein forms I222V, I97V.
Identifiers: ClinVar variation 1488174 (VCV001488174.8), dbSNP rs2152203842, ClinGen allele CA395403691.

ClinVar aggregate classification (germline): Uncertain significance (1 of 4 stars; one submission).

Conditions:
Brody myopathy. Also called: BRODY DISEASE. Identifiers: Orphanet 53347, MedGen C1832918, MONDO:0010977, OMIM 601003.

Submission:

Labcorp Genetics (formerly Invitae), Labcorp
Classification: Uncertain significance for Brody myopathy. Last evaluated: 2021-06-12. Review status: criteria provided, single submitter. Criteria: Invitae Variant Classification Sherloc (09022015). Collection method: clinical testing. Allele origin: germline.
Comment: This sequence change replaces isoleucine with valine at codon 222 of the ATP2A1 protein (p.Ile222Val). The isoleucine residue is weakly conserved and there is a small physicochemical difference between isoleucine and valine. This variant is not present in population databases (ExAC no frequency). In summary, the available evidence is currently insufficient to determine the role of this variant in disease. Therefore, it has been classified as a Variant of Uncertain Significance. Algorithms developed to predict the effect of missense changes on protein structure and function output the following: SIFT: "Tolerated"; PolyPhen-2: "Benign"; Align-GVGD: "Class C0". The valine amino acid residue is found in multiple mammalian species, suggesting that this missense change does not adversely affect protein function. These predictions have not been confirmed by published functional studies and their clinical significance is uncertain. This variant has not been reported in the literature in individuals with ATP2A1-related conditions.